The following is an entry in ClinVar:

ClinVar aggregate classification (germline): Pathogenic (1 of 4 stars; one submission).

Conditions:
Tuberous sclerosis 1 (TSC1). Identifiers: Orphanet 805, MedGen C1854465, MONDO:0008612, OMIM 191100.

Submission:

Labcorp Genetics (formerly Invitae), Labcorp
Classification: Pathogenic for Tuberous sclerosis 1. Last evaluated: 2020-09-25. Review status: criteria provided, single submitter. Criteria: Invitae Variant Classification Sherloc (09022015). Collection method: clinical testing. Allele origin: germline.
Comment: For these reasons, this variant has been classified as Pathogenic. This variant has not been reported in the literature in individuals with TSC1-related conditions. Loss-of-function variants in TSC1 are known to be pathogenic (PMID: 10227394, 17304050). This variant is not present in population databases (ExAC no frequency). This sequence change creates a premature translational stop signal (p.Leu61*) in the TSC1 gene. It is expected to result in an absent or disrupted protein product.

Literature cited by the submitters: PubMed 10227394; PubMed 17304050.

NM_000368.5(TSC1):c.181del (p.Ile60_Leu61insTer)

Gene: TSC1 (TSC complex subunit 1; minus strand). Cytogenetic location: 9q34.13.
Variant type: Deletion.
Coding change: c.181del on transcript NM_000368.5 (MANE Select); coding-DNA position 181, one base deleted (C; older notation c.181delC).
Protein change: p.Ile60_Leu61insTer.
Molecular consequence: nonsense. On other transcripts: intron variant (1).
Genome position (GRCh38, 1-based): chr9:132,927,230, G deleted on the plus strand (C on the coding strand, the reverse complement: TSC1 is on the minus strand); the first of 2 consecutive G bases (chr9:132,927,230-132,927,231); deleting either gives the same sequence. VCF-style (leftmost placement, unchanged base first): chr9-132927229-AG-A. GRCh37 (hg19) VCF-style: chr9-135802616-AG-A.
Other names: c.181del, p.Ile60_Leu61insTer (NM_001162426.2, NM_001162427.2); c.-153-1491del (NM_001362177.2).
Identifiers: ClinVar variation 1074231 (VCV001074231.7), dbSNP rs2132266748, ClinGen allele CA2499219743.